The following is an entry in ClinVar:

NM_000079.4(CHRNA1):c.706G>A (p.Val236Ile)

Gene: CHRNA1 (cholinergic receptor nicotinic alpha 1 subunit; minus strand). Cytogenetic location: 2q31.1.
Variant type: single nucleotide variant.
Coding change: c.706G>A on transcript NM_000079.4 (MANE Select); coding-DNA position 706, G replaced by A.
Protein change: p.Val236Ile; replaces valine 236 with isoleucine.
Molecular consequence: missense variant.
Genome position (GRCh38, 1-based): chr2:174,753,575, C>T on the plus strand (G>A on the coding strand, the complement: CHRNA1 is on the minus strand). VCF-style: chr2-174753575-C-T. GRCh37 (hg19) VCF-style: chr2-175618303-C-T.
Other names: c.781G>A, p.Val261Ile (NM_001039523.3); short protein forms V261I, V236I.
Identifiers: ClinVar variation 845483 (VCV000845483.9), dbSNP rs1332781017, ClinGen allele CA349339177.

ClinVar aggregate classification (germline): Uncertain significance (1 of 4 stars; one submission).

Conditions:
Lethal multiple pterygium syndrome (LMPS). Identifiers: Orphanet 33108, MedGen C1854678, MONDO:0009668, OMIM 253290.

Allele frequency attached by ClinVar (database versions not stated): gnomAD 0.00001; gnomAD exomes 0.00001; TOPMed 0.00002.
gnomAD v4.1: 12 of 1,614,086 alleles (0.00074%); highest among the groups gnomAD compares: Middle Eastern, 0.016%; no homozygotes.

Submission:

Labcorp Genetics (formerly Invitae), Labcorp
Classification: Uncertain significance for Lethal multiple pterygium syndrome. Last evaluated: 2025-02-16. Review status: criteria provided, single submitter. Criteria: Invitae Variant Classification Sherloc (09022015). Collection method: clinical testing. Allele origin: germline.
Comment: This sequence change replaces valine, which is neutral and non-polar, with isoleucine, which is neutral and non-polar, at codon 236 of the CHRNA1 protein (p.Val236Ile). This variant is not present in population databases (gnomAD no frequency). This variant has not been reported in the literature in individuals affected with CHRNA1-related conditions. ClinVar contains an entry for this variant (Variation ID: 845483). Invitae Evidence Modeling of protein sequence and biophysical properties (such as structural, functional, and spatial information, amino acid conservation, physicochemical variation, residue mobility, and thermodynamic stability) indicates that this missense variant is not expected to disrupt CHRNA1 protein function with a negative predictive value of 80%. In summary, the available evidence is currently insufficient to determine the role of this variant in disease. Therefore, it has been classified as a Variant of Uncertain Significance.